The following is an entry in ClinVar:

NM_198525.3(KIF7):c.2914G>T (p.Val972Leu)

Gene: KIF7 (kinesin family member 7; minus strand). Cytogenetic location: 15q26.1.
Variant type: single nucleotide variant.
Coding change: c.2914G>T on transcript NM_198525.3 (MANE Select); coding-DNA position 2914, G replaced by T.
Protein change: p.Val972Leu; replaces valine 972 with leucine.
Molecular consequence: missense variant.
Genome position (GRCh38, 1-based): chr15:89,631,692, C>A on the plus strand (G>T on the coding strand, the complement: KIF7 is on the minus strand). VCF-style: chr15-89631692-C-A. GRCh37 (hg19) VCF-style: chr15-90174923-C-A.
Other names: c.2914G>T (NM_198525.2); short protein forms V972L.
Identifiers: ClinVar variation 1022535 (VCV001022535.9), dbSNP rs79839906, ClinGen allele CA274566566.

ClinVar aggregate classification (germline): Uncertain significance. Review status: criteria provided, multiple submitters, no conflicts (2 of 4 stars). 5 submissions from 5 submitters: Uncertain significance (5). Last evaluated 2024-06-19.

Conditions:
Acrocallosal syndrome (ACLS). Also called: HALLUX DUPLICATION, POSTAXIAL POLYDACTYLY, AND ABSENCE OF CORPUS CALLOSUM; Schinzel syndrome 1; Absence of corpus callosum with unusual facial appearance, mental deficiency, duplication of the halluces and polydactyly. Identifiers: Orphanet 36, MedGen C0796147, MONDO:0008708, OMIM 200990.
Multiple epiphyseal dysplasia, Al-Gazali type. Also called: Macrocephaly with multiple epiphyseal dysplasia and distinctive facies. Identifiers: Orphanet 166024, MedGen C1846722, MONDO:0011778, OMIM 607131.
Hydrolethalus syndrome 2 (HLS2). Identifiers: Orphanet 2189, MedGen C3279899, MONDO:0013585, OMIM 614120.
Inborn genetic diseases. Identifiers: MedGen C0950123, MeSH D030342.

Allele frequency attached by ClinVar (database versions not stated): TOPMed 0.00002.
gnomAD v4.1: 27 of 1,554,470 alleles (0.0017%); highest among the groups gnomAD compares: African/African-American, 0.014%; 1 homozygote.

Submissions (5):

Fulgent Genetics
Classification: Uncertain significance for Acrocallosal syndrome; Multiple epiphyseal dysplasia, Al-Gazali type; Hydrolethalus syndrome 2. Last evaluated: 2024-06-19. Review status: criteria provided, single submitter. Criteria: ACMG Guidelines, 2015. Collection method: clinical testing. Allele origin: germline.

Blueprint Genetics
Classification: Uncertain significance. Last evaluated: 2023-07-11. Review status: criteria provided, single submitter. Criteria: ACMG Guidelines, 2015. Collection method: clinical testing. Allele origin: germline.

Labcorp Genetics (formerly Invitae), Labcorp
Classification: Uncertain significance for Acrocallosal syndrome. Last evaluated: 2022-10-24. Review status: criteria provided, single submitter. Criteria: Invitae Variant Classification Sherloc (09022015). Collection method: clinical testing. Allele origin: germline.
Comment: This sequence change replaces valine, which is neutral and non-polar, with leucine, which is neutral and non-polar, at codon 972 of the KIF7 protein (p.Val972Leu). This variant is not present in population databases (gnomAD no frequency). This variant has not been reported in the literature in individuals affected with KIF7-related conditions. ClinVar contains an entry for this variant (Variation ID: 1022535). Advanced modeling of protein sequence and biophysical properties (such as structural, functional, and spatial information, amino acid conservation, physicochemical variation, residue mobility, and thermodynamic stability) performed at Invitae indicates that this missense variant is not expected to disrupt KIF7 protein function. In summary, the available evidence is currently insufficient to determine the role of this variant in disease. Therefore, it has been classified as a Variant of Uncertain Significance.

Ambry Genetics
Classification: Uncertain significance for Inborn genetic diseases. Last evaluated: 2021-09-01. Review status: criteria provided, single submitter. Criteria: Ambry Variant Classification Scheme 2023. Collection method: clinical testing. Allele origin: germline.

Breakthrough Genomics
Classification: Uncertain significance. Review status: criteria provided, single submitter. Criteria: ACMG Guidelines, 2015. Collection method: not provided. Allele origin: germline. Inheritance: Autosomal recessive inheritance. Affected: yes.